The following is an entry in ClinVar:

ClinVar aggregate classification (germline): Uncertain significance (1 of 4 stars; one submission).

Submission:

GeneDx
Classification: Uncertain significance. Last evaluated: 2026-02-04. Review status: criteria provided, single submitter. Criteria: GeneDx Variant Classification Process June 2021. Collection method: clinical testing. Allele origin: germline.
Comment: Not observed at significant frequency in large population cohorts (gnomAD); In silico analysis supports a deleterious effect on splicing; Has not been previously published as pathogenic or benign to our knowledge

NM_001130438.3(SPTAN1):c.5992+5G>C

Gene: SPTAN1 (spectrin alpha, non-erythrocytic 1; plus strand). Cytogenetic location: 9q34.11.
Variant type: single nucleotide variant.
Coding change: c.5992+5G>C on transcript NM_001130438.3 (MANE Select); 5 bases into the intron after coding-DNA position 5992, G replaced by C.
Molecular consequence: intron variant.
Genome position (GRCh38, 1-based): chr9:128,624,492, G>C. VCF-style: chr9-128624492-G-C. GRCh37 (hg19) VCF-style: chr9-131386771-G-C.
Other names: c.6028+5G>C (NM_001375318.1, NM_001375312.2); c.5992+5G>C (NM_001375311.2, NM_001375310.1, NM_001363759.2 and 1 more transcripts); c.5932+5G>C (NM_001375314.2, NM_001363765.2); c.5977+5G>C (NM_003127.4); c.5917+5G>C (NM_001195532.2).
Identifiers: ClinVar variation 3363884 (VCV003363884.2).